The following is an entry in ClinVar:

ClinVar aggregate classification (germline): Conflicting classifications of pathogenicity. Review status: criteria provided, conflicting classifications (1 of 4 stars). 4 submissions from 4 submitters: Uncertain significance (3); Likely benign (1). Last evaluated 2026-07-30.

Conditions:
Hereditary cancer-predisposing syndrome. Also called: Neoplastic Syndromes, Hereditary; Hereditary Cancer Syndrome; Hereditary neoplastic syndrome; Tumor predisposition. Identifiers: Orphanet 140162, MedGen C0027672, MeSH D009386, MONDO:0015356.
Peutz-Jeghers syndrome (PJS). Also called: POLYPOSIS, HAMARTOMATOUS INTESTINAL; POLYPS-AND-SPOTS SYNDROME; Peutz-Jeghers polyposis; Periorificial lentiginosis syndrome. Identifiers: Orphanet 2869, MedGen C0031269, MeSH D010580, MONDO:0008280, OMIM 175200.

Allele frequency attached by ClinVar (database versions not stated): gnomAD exomes below 0.00001.
gnomAD v4.1: 1 of 1,599,304 alleles (0.000063%); highest among the groups gnomAD compares: Non-Finnish European, 0.000085%; no homozygotes.

Submissions (4):

Ambry Genetics
Classification: Likely benign for Hereditary cancer-predisposing syndrome. Last evaluated: 2026-07-30. Review status: criteria provided, single submitter. Criteria: Ambry Variant Classification Scheme 2023. Collection method: clinical testing. Allele origin: germline.

Color Diagnostics, LLC DBA Color Health
Classification: Uncertain significance for Hereditary cancer-predisposing syndrome. Last evaluated: 2023-12-05. Review status: criteria provided, single submitter. Criteria: ACMG Guidelines, 2015. Collection method: clinical testing. Allele origin: germline.
Comment: This missense variant replaces aspartic acid with asparagine at codon 327 of the STK11 protein. Computational prediction suggests that this variant may not impact protein structure and function (internally defined REVEL score threshold <= 0.5, PMID: 27666373). To our knowledge, functional studies have not been reported for this variant. This variant has not been reported in individuals affected with STK11-related disorders in the literature. This variant has not been identified in the general population by the Genome Aggregation Database (gnomAD). The available evidence is insufficient to determine the role of this variant in disease conclusively. Therefore, this variant is classified as a Variant of Uncertain Significance.

Labcorp Genetics (formerly Invitae), Labcorp
Classification: Uncertain significance for Peutz-Jeghers syndrome. Last evaluated: 2022-10-05. Review status: criteria provided, single submitter. Criteria: Invitae Variant Classification Sherloc (09022015). Collection method: clinical testing. Allele origin: germline.
Comment: In summary, the available evidence is currently insufficient to determine the role of this variant in disease. Therefore, it has been classified as a Variant of Uncertain Significance. Advanced modeling of protein sequence and biophysical properties (such as structural, functional, and spatial information, amino acid conservation, physicochemical variation, residue mobility, and thermodynamic stability) performed at Invitae indicates that this missense variant is not expected to disrupt STK11 protein function. ClinVar contains an entry for this variant (Variation ID: 631103). This variant has not been reported in the literature in individuals affected with STK11-related conditions. This variant is not present in population databases (gnomAD no frequency). This sequence change replaces aspartic acid, which is acidic and polar, with asparagine, which is neutral and polar, at codon 327 of the STK11 protein (p.Asp327Asn).

Genome-Nilou Lab
Classification: Uncertain significance for Peutz-Jeghers syndrome. Last evaluated: 2021-07-15. Review status: criteria provided, single submitter. Criteria: ACMG Guidelines, 2015. Collection method: clinical testing. Allele origin: germline. Affected: no.

NM_000455.5(STK11):c.979G>A (p.Asp327Asn)

Gene: STK11 (serine/threonine kinase 11; plus strand). Cytogenetic location: 19p13.3.
Variant type: single nucleotide variant.
Coding change: c.979G>A on transcript NM_000455.5 (MANE Select); coding-DNA position 979, G replaced by A.
Protein change: p.Asp327Asn; replaces aspartic acid 327 with asparagine.
Molecular consequence: missense variant.
Genome position (GRCh38, 1-based): chr19:1,223,043, G>A. VCF-style: chr19-1223043-G-A. GRCh37 (hg19) VCF-style: chr19-1223042-G-A.
Other names: short protein forms D327N.
Identifiers: ClinVar variation 631103 (VCV000631103.17), dbSNP rs1568712119, ClinGen allele CA402951599.